The following is an entry in ClinVar:

ClinVar aggregate classification (germline): Uncertain significance (1 of 4 stars; one submission).

Conditions:
Xeroderma pigmentosum, group F (XPF). Also called: XERODERMA PIGMENTOSUM VI; XP, GROUP F; ERCC4-Related Xeroderma Pigmentosum; XERODERMA PIGMENTOSUM, TYPE F; Xeroderma pigmentosum, type 6; XERODERMA PIGMENTOSUM, COMPLEMENTATION GROUP F. Identifiers: MedGen C0268140, MONDO:0010215, OMIM 278760.
Fanconi anemia complementation group Q. Identifiers: Orphanet 84, MedGen C3808988, MONDO:0014108, OMIM 615272.
Cockayne syndrome. Identifiers: Orphanet 191, MedGen C0009207, MONDO:0016006.

Allele frequency attached by ClinVar (database versions not stated): gnomAD exomes below 0.00001.
gnomAD v4.1: 1 of 1,614,206 alleles (0.000062%); highest among the groups gnomAD compares: South Asian, 0.0011%; no homozygotes.

Submission:

Labcorp Genetics (formerly Invitae), Labcorp
Classification: Uncertain significance for Fanconi anemia complementation group Q; Xeroderma pigmentosum, group F; Cockayne syndrome. Last evaluated: 2022-06-12. Review status: criteria provided, single submitter. Criteria: Invitae Variant Classification Sherloc (09022015). Collection method: clinical testing. Allele origin: germline.
Comment: This variant has not been reported in the literature in individuals affected with ERCC4-related conditions. In summary, the available evidence is currently insufficient to determine the role of this variant in disease. Therefore, it has been classified as a Variant of Uncertain Significance. Algorithms developed to predict the effect of missense changes on protein structure and function output the following: SIFT: "Tolerated"; PolyPhen-2: "Benign"; Align-GVGD: "Class C0". The asparagine amino acid residue is found in multiple mammalian species, which suggests that this missense change does not adversely affect protein function. This variant is not present in population databases (gnomAD no frequency). This sequence change replaces serine, which is neutral and polar, with asparagine, which is neutral and polar, at codon 520 of the ERCC4 protein (p.Ser520Asn).

NM_005236.3(ERCC4):c.1559G>A (p.Ser520Asn)

Gene: ERCC4 (ERCC excision repair 4, endonuclease catalytic subunit; plus strand). Cytogenetic location: 16p13.12.
Variant type: single nucleotide variant.
Coding change: c.1559G>A on transcript NM_005236.3 (MANE Select); coding-DNA position 1559, G replaced by A.
Protein change: p.Ser520Asn; replaces serine 520 with asparagine.
Molecular consequence: missense variant.
Genome position (GRCh38, 1-based): chr16:13,935,491, G>A. VCF-style: chr16-13935491-G-A. GRCh37 (hg19) VCF-style: chr16-14029348-G-A.
Other names: short protein forms S520N.
Identifiers: ClinVar variation 2145703 (VCV002145703.4), dbSNP rs2141607642, ClinGen allele CA394811563.